The following is an entry in ClinVar:

NM_021930.6(RINT1):c.1296_1297del (p.Glu432fs)

Gene: RINT1 (RAD50 interactor 1; plus strand). Cytogenetic location: 7q22.3.
Variant type: Deletion.
Coding change: c.1296_1297del on transcript NM_021930.6 (MANE Select); coding-DNA positions 1296 to 1297, 2 bases deleted (AA; older notation c.1296_1297delAA).
Protein change: p.Glu432fs; shifts the reading frame from glutamic acid 432.
Molecular consequence: frameshift variant. On other transcripts: non-coding transcript variant (1).
Genome position (GRCh38, 1-based): chr7:105,550,449-105,550,450, AA deleted; deleting any 2 consecutive bases within chr7:105,550,448-105,550,450 gives the same sequence; the c. name uses the placement nearest the transcript's 3' end. VCF-style (leftmost placement, unchanged base first): chr7-105550447-GAA-G. GRCh37 (hg19) VCF-style: chr7-105190894-GAA-G.
Other names: c.1062_1063del, p.Glu354fs (NM_001346599.2); c.273_274del, p.Glu91fs (NM_001346600.2, NM_001346603.2); c.372_373del, p.Glu124fs (NM_001346601.2); short protein forms E124fs, E432fs, E354fs, E91fs.
Identifiers: ClinVar variation 2842593 (VCV002842593.3), dbSNP rs2485133677, ClinGen allele CA2739278329.

ClinVar aggregate classification (germline): Pathogenic (1 of 4 stars; one submission).

Submission:

Labcorp Genetics (formerly Invitae), Labcorp
Classification: Pathogenic. Last evaluated: 2023-03-03. Review status: criteria provided, single submitter. Criteria: Invitae Variant Classification Sherloc (09022015). Collection method: clinical testing. Allele origin: germline.
Comment: This sequence change creates a premature translational stop signal (p.Glu432Aspfs*33) in the RINT1 gene. It is expected to result in an absent or disrupted protein product. Loss-of-function variants in RINT1 are known to be pathogenic (PMID: 31204009). This variant is not present in population databases (gnomAD no frequency). This variant has not been reported in the literature in individuals affected with RINT1-related conditions. For these reasons, this variant has been classified as Pathogenic.

Literature cited by the submitters: PubMed 31204009.